The following is an entry in ClinVar:

ClinVar aggregate classification (germline): Likely pathogenic (1 of 4 stars; one submission).

Submission:

Labcorp Genetics (formerly Invitae), Labcorp
Classification: Likely pathogenic. Last evaluated: 2022-03-13. Review status: criteria provided, single submitter. Criteria: Invitae Variant Classification Sherloc (09022015). Collection method: clinical testing. Allele origin: germline.
Comment: This sequence change affects a splice site in intron 8 of the FGD1 gene. It is expected to disrupt RNA splicing. Variants that disrupt the donor or acceptor splice site typically lead to a loss of protein function (PMID: 16199547), and loss-of-function variants in FGD1 are known to be pathogenic (PMID: 21739585, 23211637, 25046119, 26029706). This variant is not present in population databases (gnomAD no frequency). Disruption of this splice site has been observed in individual(s) with clinical features of Aarskog-Scott syndrome (Invitae). Algorithms developed to predict the effect of sequence changes on RNA splicing suggest that this variant may disrupt the consensus splice site. In summary, the currently available evidence indicates that the variant is pathogenic, but additional data are needed to prove that conclusively. Therefore, this variant has been classified as Likely Pathogenic.

Literature cited by the submitters: PubMed 16199547; PubMed 21739585; PubMed 23211637; PubMed 25046119; PubMed 26029706.

NM_004463.3(FGD1):c.1636+2_1636+3del

Gene: FGD1 (FYVE, RhoGEF and PH domain containing 1; minus strand). Cytogenetic location: Xp11.22.
Variant type: Deletion.
Coding change: c.1636+2_1636+3del on transcript NM_004463.3 (MANE Select); the canonical splice donor site of the intron after coding-DNA position 1636 through 3 bases into the intron after coding-DNA position 1636, 2 bases deleted (TG; older notation c.1636+2_1636+3delTG).
Molecular consequence: splice donor variant.
Genome position (GRCh38, 1-based): chrX:54,465,448-54,465,449, CA deleted on the plus strand (TG on the coding strand, the reverse complement: FGD1 is on the minus strand); deleting any 2 consecutive bases within chrX:54,465,448-54,465,450 gives the same sequence; the c. name uses the placement nearest the transcript's 3' end. VCF-style (leftmost placement, unchanged base first): chrX-54465447-TCA-T. GRCh37 (hg19) VCF-style: chrX-54491880-TCA-T.
Identifiers: ClinVar variation 2111279 (VCV002111279.4), dbSNP rs2522708942, ClinGen allele CA2580101251.
Genomic context (GRCh38, chrX:54,465,447, plus strand): 5'-CAGAGGTCTGGCCTAGAGCTATTAGTGTGGAGAAGTAGGAAGGGGCCTGGGTGCACACAC[TCA>T]CTTTGGGCATCCTTGCTGTCCGGGGAGCCATGGGGCAGCTTTAACAGATAGTCCTTGAGA-3'